The following is an entry in ClinVar:

ClinVar aggregate classification (germline): Uncertain significance. Review status: criteria provided, multiple submitters, no conflicts (2 of 4 stars). 2 submissions from 2 submitters: Uncertain significance (2). Last evaluated 2025-10-12.

Conditions:
Inborn genetic diseases. Identifiers: MedGen C0950123, MeSH D030342.

Allele frequency attached by ClinVar (database versions not stated): ExAC 0.00002; TOPMed 0.00002.
gnomAD v4.1: 8 of 1,613,988 alleles (0.0005%); highest among the groups gnomAD compares: Non-Finnish European, 0.00068%; no homozygotes.

Submissions (2):

Labcorp Genetics (formerly Invitae), Labcorp
Classification: Uncertain significance. Last evaluated: 2025-10-12. Review status: criteria provided, single submitter. Criteria: Invitae Variant Classification Sherloc (09022015). Collection method: clinical testing. Allele origin: germline.
Comment: This sequence change replaces proline, which is neutral and non-polar, with serine, which is neutral and polar, at codon 2523 of the CDH23 protein (p.Pro2523Ser). This variant is present in population databases (rs752326120, gnomAD 0.003%). This variant has not been reported in the literature in individuals affected with CDH23-related conditions. ClinVar contains an entry for this variant (Variation ID: 2148574). Invitae Evidence Modeling of protein sequence and biophysical properties (such as structural, functional, and spatial information, amino acid conservation, physicochemical variation, residue mobility, and thermodynamic stability) has been performed for this missense variant. However, the output from this modeling did not meet the statistical confidence thresholds required to predict the impact of this variant on CDH23 protein function. In summary, the available evidence is currently insufficient to determine the role of this variant in disease. Therefore, it has been classified as a Variant of Uncertain Significance.

Ambry Genetics
Classification: Uncertain significance for Inborn genetic diseases. Last evaluated: 2025-05-26. Review status: criteria provided, single submitter. Criteria: Ambry Variant Classification Scheme 2023. Collection method: clinical testing. Allele origin: germline.

NM_022124.6(CDH23):c.7567C>T (p.Pro2523Ser)

Gene: CDH23 (cadherin related 23; plus strand). Cytogenetic location: 10q22.1.
Variant type: single nucleotide variant.
Coding change: c.7567C>T on transcript NM_022124.6 (MANE Select); coding-DNA position 7567, C replaced by T.
Protein change: p.Pro2523Ser; replaces proline 2523 with serine.
Molecular consequence: missense variant.
Genome position (GRCh38, 1-based): chr10:71,802,982, C>T. VCF-style: chr10-71802982-C-T. GRCh37 (hg19) VCF-style: chr10-73562739-C-T.
Other names: c.847C>T, p.Pro283Ser (NM_001171933.1, NM_001171934.1); c.7567C>T (NM_022124.5); short protein forms P283S, P2523S.
Identifiers: ClinVar variation 2148574 (VCV002148574.4), dbSNP rs752326120, ClinGen allele CA5546376.